The following is an entry in ClinVar:

ClinVar aggregate classification (germline): Uncertain significance (1 of 4 stars; one submission).

Conditions:
Neurodevelopmental disorder with hypotonia, stereotypic hand movements, and impaired language. Also called: Intellectual disability, autosomal dominant 20. Identifiers: Orphanet 228384, Orphanet 664410, MedGen C3150700, MONDO:0013266, OMIM 613443.

Submission:

Labcorp Genetics (formerly Invitae), Labcorp
Classification: Uncertain significance for Neurodevelopmental disorder with hypotonia, stereotypic hand movements, and impaired language. Last evaluated: 2022-06-27. Review status: criteria provided, single submitter. Criteria: Invitae Variant Classification Sherloc (09022015). Collection method: clinical testing. Allele origin: germline.
Comment: In summary, the available evidence is currently insufficient to determine the role of this variant in disease. Therefore, it has been classified as a Variant of Uncertain Significance. Algorithms developed to predict the effect of missense changes on protein structure and function are either unavailable or do not agree on the potential impact of this missense change (SIFT: "Deleterious"; PolyPhen-2: "Probably Damaging"; Align-GVGD: "Class C0"). This variant has not been reported in the literature in individuals affected with MEF2C-related conditions. This variant is not present in population databases (gnomAD no frequency). This sequence change replaces aspartic acid, which is acidic and polar, with histidine, which is basic and polar, at codon 102 of the MEF2C protein (p.Asp102His).

NM_002397.5(MEF2C):c.304G>C (p.Asp102His)

Gene: MEF2C (myocyte enhancer factor 2C; minus strand). Cytogenetic location: 5q14.3.
Variant type: single nucleotide variant.
Coding change: c.304G>C on transcript NM_002397.5 (MANE Select); coding-DNA position 304, G replaced by C.
Protein change: p.Asp102His; replaces aspartic acid 102 with histidine.
Molecular consequence: missense variant. On other transcripts: 5 prime UTR variant (2), intron variant (10).
Genome position (GRCh38, 1-based): chr5:88,761,283, C>G on the plus strand (G>C on the coding strand, the complement: MEF2C is on the minus strand). VCF-style: chr5-88761283-C-G. GRCh37 (hg19) VCF-style: chr5-88057100-C-G.
Other names: c.304G>C, p.Asp102His (NM_001193347.1, NM_001193350.2, NM_001308002.3 and 20 more transcripts); c.-75G>C (NM_001364353.2, NM_001364356.2); c.259-9240G>C (NM_001364344.2, NM_001364354.2, NM_001364332.2 and 3 more transcripts); c.259-158G>C (NM_001131005.2, NM_001364352.2, NM_001364343.2); c.-24-9240G>C (NM_001364357.2); short protein forms D102H.
Identifiers: ClinVar variation 1472923 (VCV001472923.8), dbSNP rs2152674244, ClinGen allele CA360424638.
Genomic context (GRCh38, chr5:88,761,283, plus strand): 5'-CGTTAATTTTCCTGTACTTGTCCTCAGACTCAGGGCTGTGACCTACGGAATCGTCCGCAT[C>G]GGGGTCTGGGCTGTCACAGCCATTAAGGCCCTTCTTTCTCAACGTCTGAAATACATAATT-3'
Protein context (NP_002388.2, residues 92-112): GLNGCDSPDP[Asp102His]ADDSVGHSPE